The following is an entry in ClinVar:

NM_001144952.2(SDK2):c.3898+9G>A

Gene: SDK2 (sidekick cell adhesion molecule 2; minus strand). Cytogenetic location: 17q25.1.
Variant type: single nucleotide variant.
Coding change: c.3898+9G>A on transcript NM_001144952.2 (MANE Select); 9 bases into the intron after coding-DNA position 3898, G replaced by A.
Molecular consequence: intron variant.
Genome position (GRCh38, 1-based): chr17:73,393,551, C>T on the plus strand (G>A on the coding strand, the complement: SDK2 is on the minus strand). VCF-style: chr17-73393551-C-T. GRCh37 (hg19) VCF-style: chr17-71389690-C-T.
Identifiers: ClinVar variation 3043634 (VCV003043634.2), dbSNP rs202096378, ClinGen allele CA8743003.

ClinVar aggregate classification (germline): Likely benign (0 of 4 stars; one submission).

Conditions:
SDK2-related disorder. Also called: SDK2-related condition.

Allele frequency attached by ClinVar (database versions not stated): gnomAD exomes 0.00003; ExAC 0.00007; gnomAD 0.00007; ESP Exome Variant Server 0.00008; TOPMed 0.00008; 1000 Genomes Project 30x 0.00016; 1000 Genomes Project 0.00020.
gnomAD v4.1: 53 of 1,538,374 alleles (0.0034%); highest among the groups gnomAD compares: East Asian, 0.068%; no homozygotes.

Submission:

PreventionGenetics, part of Exact Sciences
Classification: Likely benign for SDK2-related condition. Last evaluated: 2019-06-06. Review status: no assertion criteria provided. Collection method: clinical testing. Allele origin: germline.
Comment: This variant is classified as likely benign based on ACMG/AMP sequence variant interpretation guidelines (Richards et al. 2015 PMID: 25741868, with internal and published modifications).